The following is an entry in ClinVar:

NM_004722.4(AP4M1):c.58+1_58+2del

Gene: AP4M1 (adaptor related protein complex 4 subunit mu 1; plus strand). Cytogenetic location: 7q22.1.
Variant type: Deletion.
Coding change: c.58+1_58+2del on transcript NM_004722.4 (MANE Select); the canonical splice donor site of the intron after coding-DNA position 58, 2 bases deleted (GT; older notation c.58+1_58+2delGT).
Molecular consequence: splice donor variant.
Genome position (GRCh38, 1-based): chr7:100,101,773-100,101,774, GT deleted; deleting any 2 consecutive bases within chr7:100,101,772-100,101,774 gives the same sequence; the c. name uses the placement nearest the transcript's 3' end. VCF-style (leftmost placement, unchanged base first): chr7-100101771-CTG-C. GRCh37 (hg19) VCF-style: chr7-99699394-CTG-C.
Other names: c.58+1_58+2del (NM_001363671.2).
Identifiers: ClinVar variation 1493893 (VCV001493893.7), dbSNP rs1796054104, ClinGen allele CA1105013692.

ClinVar aggregate classification (germline): Likely pathogenic (1 of 4 stars; one submission).

Conditions:
Hereditary spastic paraplegia 50 (SPG50). Also called: Spastic paraplegia 50, autosomal recessive. Identifiers: Orphanet 280763, MedGen C2752008, MONDO:0013048, OMIM 612936.

Submission:

Labcorp Genetics (formerly Invitae), Labcorp
Classification: Likely pathogenic for Hereditary spastic paraplegia 50. Last evaluated: 2025-01-13. Review status: criteria provided, single submitter. Criteria: Invitae Variant Classification Sherloc (09022015). Collection method: clinical testing. Allele origin: germline.
Comment: This sequence change affects a splice site in intron 1 of the AP4M1 gene. It is expected to disrupt RNA splicing. Variants that disrupt the donor or acceptor splice site typically lead to a loss of protein function (PMID: 16199547), and loss-of-function variants in AP4M1 are known to be pathogenic (PMID: 24700674, 25496299, 25558065). This variant is not present in population databases (gnomAD no frequency). This variant has not been reported in the literature in individuals affected with AP4M1-related conditions. ClinVar contains an entry for this variant (Variation ID: 1493893). Algorithms developed to predict the effect of sequence changes on RNA splicing suggest that this variant may disrupt the consensus splice site. In summary, the currently available evidence indicates that the variant is pathogenic, but additional data are needed to prove that conclusively. Therefore, this variant has been classified as Likely Pathogenic.

Literature cited by the submitters: PubMed 16199547; PubMed 24700674; PubMed 25496299; PubMed 25558065.